The following is an entry in ClinVar:

ClinVar aggregate classification (germline): Uncertain significance (1 of 4 stars; one submission).

Conditions:
Congenital myopathy with fiber type disproportion. Also called: Congenital fiber-type disproportion; Congenital fiber-type disproportion myopathy. Identifiers: Orphanet 2020, MedGen C0546264, MONDO:0009711. Inheritance: all.
Congenital myopathy 4B, autosomal recessive. Also called: Nemaline myopathy 1, autosomal dominant or recessive. Identifiers: Orphanet 171433, Orphanet 171439, Orphanet 171881, MedGen C5829889, MONDO:0012239, OMIM 609284.

Submission:

Labcorp Genetics (formerly Invitae), Labcorp
Classification: Uncertain significance for Congenital myopathy with fiber type disproportion; Congenital myopathy 4B, autosomal recessive. Last evaluated: 2021-08-11. Review status: criteria provided, single submitter. Criteria: Invitae Variant Classification Sherloc (09022015). Collection method: clinical testing. Allele origin: germline.
Comment: A copy number gain of the genomic region encompassing the full coding sequence of the TPM3 gene has been identified. The boundaries of this event are unknown as they extend beyond the assayed region for this gene and therefore may encompass additional genes. As the precise location of this event is unknown, it may be in tandem or it may be located elsewhere in the genome. This variant has not been reported in the literature in individuals affected with TPM3-related conditions. In summary, the available evidence is currently insufficient to determine the role of this variant in disease. Therefore, it has been classified as a Variant of Uncertain Significance.

NC_000001.10:g.(?_154140413)_(154164494_?)dup

Gene: TPM3 (tropomyosin 3; minus strand). Cytogenetic location: 1q21.3.
Variant type: Duplication.
Identifiers: ClinVar variation 1439425 (VCV001439425.8).